The following is an entry in ClinVar:

NM_015335.5(MED13L):c.6041A>G (p.Asn2014Ser)

Gene: MED13L (mediator complex subunit 13L; minus strand). Cytogenetic location: 12q24.21.
Variant type: single nucleotide variant.
Coding change: c.6041A>G on transcript NM_015335.5 (MANE Select); coding-DNA position 6041, A replaced by G.
Protein change: p.Asn2014Ser; replaces asparagine 2014 with serine.
Molecular consequence: missense variant.
Genome position (GRCh38, 1-based): chr12:115,970,620, T>C on the plus strand (A>G on the coding strand, the complement: MED13L is on the minus strand). VCF-style: chr12-115970620-T-C. GRCh37 (hg19) VCF-style: chr12-116408425-T-C.
Other names: short protein forms N2014S.
Identifiers: ClinVar variation 3391200 (VCV003391200.1).

ClinVar aggregate classification (germline): Uncertain significance (1 of 4 stars; one submission).

Conditions:
Cardiac anomalies - developmental delay - facial dysmorphism syndrome (MRFACD). Also called: Impaired intellectual development and distinctive facial features with or without cardiac defects; MED13L Syndrome. Identifiers: Orphanet 369891, MedGen C5192431, MONDO:0014773, OMIM 616789.

gnomAD v4.1: 2 of 1,613,844 alleles (0.00012%); highest among the groups gnomAD compares: Non-Finnish European, 0.00017%; no homozygotes.

Submission:

Neuberg Centre For Genomic Medicine, NCGM
Classification: Uncertain significance for Cardiac anomalies - developmental delay - facial dysmorphism syndrome. Review status: criteria provided, single submitter. Criteria: ACMG Guidelines, 2015. Collection method: clinical testing. Allele origin: germline. Inheritance: Autosomal dominant inheritance. Affected: yes.
Comment: The observed missense c.6041A>G p.Asn2014Ser variant in MED13L gene has not been reported previously as a pathogenic variant nor as a benign variant, to our knowledge. The p.Asn2014Ser variant is absent in gnomAD Exomes. This variant has not been submitted to the ClinVar database. Computational evidence Polyphen - Possibly Damaging, SIFT - Tolerated and MutationTaster - Disease causing predicts conflicting evidence on protein structure and function for this variant. The reference amino acid of p.Asn2014Ser in MED13L is predicted as conserved by GERP++ and PhyloP across 100 vertebrates. The amino acid Asn at position 2014 is changed to a Ser changing protein sequence and it might alter its composition and physico-chemical properties. For these reasons, this variant has been classified as a Variant of Uncertain Significance VUS.